The following is an entry in ClinVar:

ClinVar aggregate classification (germline): Uncertain significance (1 of 4 stars; one submission).

Conditions:
Hereditary cancer-predisposing syndrome. Also called: Tumor predisposition; Neoplastic Syndromes, Hereditary; Hereditary neoplastic syndrome; Hereditary Cancer Syndrome. Identifiers: Orphanet 140162, MedGen C0027672, MeSH D009386, MONDO:0015356.

Submission:

Labcorp Genetics (formerly Invitae), Labcorp
Classification: Uncertain significance for Hereditary cancer-predisposing syndrome. Last evaluated: 2022-07-12. Review status: criteria provided, single submitter. Criteria: Invitae Variant Classification Sherloc (09022015). Collection method: clinical testing. Allele origin: germline.
Comment: In summary, the available evidence is currently insufficient to determine the role of this variant in disease. Therefore, it has been classified as a Variant of Uncertain Significance. ClinVar contains an entry for this variant (Variation ID: 1016936). This variant has not been reported in the literature in individuals affected with RAD50-related conditions. This variant is present in population databases (rs766326955, gnomAD 0.003%). This sequence change creates a premature translational stop signal (p.Thr1268Asnfs*4) in the RAD50 gene. While this is not anticipated to result in nonsense mediated decay, it is expected to disrupt the last 45 amino acid(s) of the RAD50 protein.

NM_005732.4(RAD50):c.3799_3802dup (p.Thr1268fs)

Genes: TH2LCRR (T helper type 2 locus control region associated RNA; minus strand), RAD50 (RAD50 double strand break repair protein; plus strand). Cytogenetic location: 5q31.1.
Variant type: Duplication.
Coding change: c.3799_3802dup on transcript NM_005732.4 (MANE Select); coding-DNA positions 3799 to 3802, 4 bases duplicated (ATCA; older notation c.3799_3802dupATCA).
Protein change: p.Thr1268fs; shifts the reading frame from threonine 1268.
Molecular consequence: frameshift variant. On other transcripts: non-coding transcript variant (1).
Genome position (GRCh38, 1-based): chr5:132,642,224-132,642,227, ATCA duplicated; duplicating any 4 consecutive bases within chr5:132,642,223-132,642,227 gives the same sequence; the c. name uses the placement nearest the transcript's 3' end. VCF-style (leftmost placement, unchanged base first): chr5-132642222-T-TAATC. GRCh37 (hg19) VCF-style: chr5-131977914-T-TAATC.
Other names: short protein forms T1268fs.
Identifiers: ClinVar variation 1016936 (VCV001016936.8), dbSNP rs766326955, ClinGen allele CA3405680.